The following is an entry in ClinVar:

ClinVar aggregate classification (germline): Benign (1 of 4 stars; one submission).

Allele frequency attached by ClinVar (database versions not stated): 1000 Genomes Project 0.00040; 1000 Genomes Project 30x 0.00047; ExAC 0.00117; ESP Exome Variant Server 0.00134.
gnomAD v4.1: 2,309 of 1,582,216 alleles (0.15%); highest among the groups gnomAD compares: Non-Finnish European, 0.18%; 7 homozygotes.

Submission:

CeGaT Center for Human Genetics Tuebingen
Classification: Benign. Last evaluated: 2026-04-01. Review status: criteria provided, single submitter. Criteria: CeGaT Center For Human Genetics Tuebingen Variant Classification Criteria Version 2. Collection method: clinical testing. Allele origin: germline. Affected: yes. Observed: 2 variant alleles.
Comment: ABCA13: BS1, BS2

NM_152701.5(ABCA13):c.10000-3C>T

Gene: ABCA13 (ATP binding cassette subfamily A member 13; plus strand). Cytogenetic location: 7p12.3.
Variant type: single nucleotide variant.
Coding change: c.10000-3C>T on transcript NM_152701.5 (MANE Select); 3 bases into the intron before coding-DNA position 10000, C replaced by T.
Molecular consequence: intron variant.
Genome position (GRCh38, 1-based): chr7:48,335,419, C>T. VCF-style: chr7-48335419-C-T. GRCh37 (hg19) VCF-style: chr7-48375016-C-T.
Identifiers: ClinVar variation 2657485 (VCV002657485.24), dbSNP rs192244828, ClinGen allele CA4258184.
Genomic context (GRCh38, chr7:48,335,419, plus strand): 5'-GGAAGATTTATCTTAATATAACAGCTGAATAAGAGACATATCCAAATATGCTTCATTTTG[C>T]AGGCTAATTACACCTTTTATATTGTGGACAAACTAAAAACTTTATCAGAAACACTGCTGG-3'